The following is an entry in ClinVar:

ClinVar aggregate classification (germline): Likely benign (1 of 4 stars; one submission).

Allele frequency attached by ClinVar (database versions not stated): TOPMed below 0.00001.

Submission:

CeGaT Center for Human Genetics Tuebingen
Classification: Likely benign. Last evaluated: 2022-05-01. Review status: criteria provided, single submitter. Criteria: CeGaT Center For Human Genetics Tuebingen Variant Classification Criteria Version 2. Collection method: clinical testing. Allele origin: germline. Affected: yes. Observed: 1 variant allele.
Comment: TTF2: PM2:Supporting, BP4, BP7

NM_003594.4(TTF2):c.3018T>C (p.Asn1006=)

Gene: TTF2 (transcription termination factor 2; plus strand). Cytogenetic location: 1p13.1.
Variant type: single nucleotide variant.
Coding change: c.3018T>C on transcript NM_003594.4 (MANE Select); coding-DNA position 3018, T replaced by C.
Protein change: p.Asn1006=; no amino-acid change (asparagine 1006 retained).
Molecular consequence: synonymous variant.
Genome position (GRCh38, 1-based): chr1:117,095,350, T>C. VCF-style: chr1-117095350-T-C. GRCh37 (hg19) VCF-style: chr1-117637972-T-C.
Identifiers: ClinVar variation 2639031 (VCV002639031.24), dbSNP rs1649022835, ClinGen allele CA419934463.
Genomic context (GRCh38, chr1:117,095,350, plus strand): 5'-TGATGTAACCTTTTCCCAGATTTCATCTCTGTTGGCAGAATTGGAGGCAATTCAAAGAAA[T>C]TCAGCATCCCAAAAGAGGTAACTGCGTTTTCTCATTATCCAAGTATTGGTCATAATTATG-3'
Protein context (NP_003585.3, residues 996-1016): LLAELEAIQR[Asn1006=]SASQKSVIVS